The following is an entry in ClinVar:

ClinVar aggregate classification (germline): Likely benign. Review status: criteria provided, multiple submitters, no conflicts (2 of 4 stars). 2 submissions from 2 submitters: Likely benign (2). Last evaluated 2025-06-01.

Allele frequency attached by ClinVar (database versions not stated): gnomAD 0.00011; TOPMed 0.00011.

Submissions (2):

CeGaT Center for Human Genetics Tuebingen
Classification: Likely benign. Last evaluated: 2025-06-01. Review status: criteria provided, single submitter. Criteria: CeGaT Center For Human Genetics Tuebingen Variant Classification Criteria Version 2. Collection method: clinical testing. Allele origin: germline. Affected: yes. Observed: 2 variant alleles.
Comment: ABCC6: BP4, BP7

Blueprint Genetics
Classification: Likely benign. Last evaluated: 2024-11-04. Review status: criteria provided, single submitter. Criteria: ACMG Guidelines, 2015. Collection method: clinical testing. Allele origin: germline.

NM_001171.6(ABCC6):c.117A>G (p.Val39=)

Gene: ABCC6 (ATP binding cassette subfamily C member 6; minus strand). Cytogenetic location: 16p13.11.
Variant type: single nucleotide variant.
Coding change: c.117A>G on transcript NM_001171.6 (MANE Select); coding-DNA position 117, A replaced by G.
Protein change: p.Val39=; no amino-acid change (valine 39 retained).
Molecular consequence: synonymous variant. On other transcripts: 5 prime UTR variant (1), non-coding transcript variant (1).
Genome position (GRCh38, 1-based): chr16:16,221,751, T>C on the plus strand (A>G on the coding strand, the complement: ABCC6 is on the minus strand). VCF-style: chr16-16221751-T-C. GRCh37 (hg19) VCF-style: chr16-16315608-T-C.
Other names: c.117A>G, p.Val39= (NM_001079528.4); c.-257A>G (NM_001351800.1).
Identifiers: ClinVar variation 3025469 (VCV003025469.23), dbSNP rs771578225, ClinGen allele CA7926716.